The following is an entry in ClinVar:

NM_000123.4(ERCC5):c.2039A>G (p.Gln680Arg)

Genes: BIVM-ERCC5 (BIVM-ERCC5 readthrough; plus strand), ERCC5 (ERCC excision repair 5, endonuclease; plus strand), LOC126861834 (BRD4-independent group 4 enhancer GRCh37_chr13:103518038-103519237; plus strand). Cytogenetic location: 13q33.1.
Variant type: single nucleotide variant.
Coding change: c.2039A>G on transcript NM_000123.4 (MANE Select); coding-DNA position 2039, A replaced by G.
Protein change: p.Gln680Arg; replaces glutamine 680 with arginine.
Molecular consequence: missense variant.
Genome position (GRCh38, 1-based): chr13:102,865,751, A>G. VCF-style: chr13-102865751-A-G. GRCh37 (hg19) VCF-style: chr13-103518101-A-G.
Other names: c.3401A>G, p.Gln1134Arg (NM_001204425.2); short protein forms Q1134R, Q680R.
Identifiers: ClinVar variation 1692181 (VCV001692181.2), dbSNP rs4987168, ClinGen allele CA7041517.
Genomic context (GRCh38, chr13:102,865,751, plus strand): 5'-TGATTAGTGATGAGGAACTTCAAGCAGAATTCCCTGAAACTTCCAAACCTCCCTCAGAAC[A>G]AGGCGAAGAGGAACTGGTAGGAACTAGGGAGGGAGAAGCCCCTGCTGAGTCCGAGAGCCT-3'
Protein context (NP_000114.3, residues 670-690): FPETSKPPSE[Gln680Arg]GEEELVGTRE

ClinVar aggregate classification (germline): Uncertain significance. Review status: criteria provided, multiple submitters, no conflicts (2 of 4 stars). 2 submissions from 2 submitters: Uncertain significance (2). Last evaluated 2024-01-04.

Conditions:
Hereditary cancer-predisposing syndrome. Also called: Neoplastic Syndromes, Hereditary; Hereditary Cancer Syndrome; Tumor predisposition; Hereditary neoplastic syndrome. Identifiers: Orphanet 140162, MedGen C0027672, MeSH D009386, MONDO:0015356.
Cerebrooculofacioskeletal syndrome 3 (COFS3). Identifiers: MedGen C1851443, MONDO:0014696, OMIM 616570.
Xeroderma pigmentosum, group G (XPG). Also called: ERCC5-Related Xeroderma Pigmentosum; XERODERMA PIGMENTOSUM VII; XP, GROUP G; Xeroderma pigmentosum type 7. Identifiers: MedGen C0268141, MONDO:0010216, OMIM 278780.

Allele frequency attached by ClinVar (database versions not stated): gnomAD exomes 0.00003 and 0.00001; ExAC 0.00005; TOPMed 0.00010; ESP Exome Variant Server 0.00015; 1000 Genomes Project 30x 0.00016; 1000 Genomes Project 0.00020.
gnomAD v4.1: 46 of 1,614,080 alleles (0.0028%); highest among the groups gnomAD compares: African/African-American, 0.06%; no homozygotes.

Submissions (2):

Fulgent Genetics
Classification: Uncertain significance for Xeroderma pigmentosum, group G; Cerebrooculofacioskeletal syndrome 3. Last evaluated: 2024-01-04. Review status: criteria provided, single submitter. Criteria: ACMG Guidelines, 2015. Collection method: clinical testing. Allele origin: germline.

Sema4
Classification: Uncertain significance for Hereditary cancer-predisposing syndrome. Last evaluated: 2021-06-02. Review status: criteria provided, single submitter. Criteria: Sema4 Curation Guidelines. Collection method: curation. Allele origin: germline.
Comment: The ERCC5 c.2039A>G (p.Q680R) variant has been reported as a somatic variant in 1 individual with alveolar soft part sarcoma (PMID 32127467). This variant was observed in 12/282436 chromosomes in the African/African American subpopulation of the Genome Aggregation Database (PMID: 32461654). This variant has not been reported in ClinVar. In silico tools suggest the impact of the variant on protein function is benign, though these predictions have not been confirmed by functional studies. The overall evidence is insufficient to meet ACMG/AMP criteria for classifying it as benign or pathogenic. In summary, the clinical significance of this variant is currently uncertain.

Literature cited by the submitters: PubMed 32127467 (cited by Sema4).